The following is an entry in ClinVar:

ClinVar aggregate classification (germline): Uncertain significance. Review status: criteria provided, multiple submitters, no conflicts (2 of 4 stars). 2 submissions from 2 submitters: Uncertain significance (2). Last evaluated 2022-10-04.

Allele frequency attached by ClinVar (database versions not stated): gnomAD exomes 0.00003; ExAC 0.00004.
gnomAD v4.1: 7 of 1,613,470 alleles (0.00043%); highest among the groups gnomAD compares: Admixed American, 0.012%; no homozygotes.

Submissions (2):

Ambry Genetics
Classification: Uncertain significance. Last evaluated: 2022-10-04. Review status: criteria provided, single submitter. Criteria: Ambry Variant Classification Scheme 2023. Collection method: clinical testing. Allele origin: germline.

Labcorp Genetics (formerly Invitae), Labcorp
Classification: Uncertain significance. Last evaluated: 2022-08-16. Review status: criteria provided, single submitter. Criteria: Invitae Variant Classification Sherloc (09022015). Collection method: clinical testing. Allele origin: germline.
Comment: This sequence change replaces threonine, which is neutral and polar, with alanine, which is neutral and non-polar, at codon 183 of the LIG1 protein (p.Thr183Ala). This variant is present in population databases (rs769866355, gnomAD 0.02%). This variant has not been reported in the literature in individuals affected with LIG1-related conditions. ClinVar contains an entry for this variant (Variation ID: 1435274). Algorithms developed to predict the effect of missense changes on protein structure and function output the following: SIFT: "Tolerated"; PolyPhen-2: "Benign"; Align-GVGD: "Class C0". The alanine amino acid residue is found in multiple mammalian species, which suggests that this missense change does not adversely affect protein function. In summary, the available evidence is currently insufficient to determine the role of this variant in disease. Therefore, it has been classified as a Variant of Uncertain Significance.

NM_000234.3(LIG1):c.547A>G (p.Thr183Ala)

Gene: LIG1 (DNA ligase 1; minus strand). Cytogenetic location: 19q13.33.
Variant type: single nucleotide variant.
Coding change: c.547A>G on transcript NM_000234.3 (MANE Select); coding-DNA position 547, A replaced by G.
Protein change: p.Thr183Ala; replaces threonine 183 with alanine.
Molecular consequence: missense variant. On other transcripts: non-coding transcript variant (6), intron variant (1).
Genome position (GRCh38, 1-based): chr19:48,151,259, T>C on the plus strand (A>G on the coding strand, the complement: LIG1 is on the minus strand). VCF-style: chr19-48151259-T-C. GRCh37 (hg19) VCF-style: chr19-48654516-T-C.
Other names: c.457A>G, p.Thr153Ala (NM_001320971.2); c.371-1049A>G (NM_001289064.2); c.454A>G, p.Thr152Ala (NM_001289063.2); c.544A>G, p.Thr182Ala (NM_001320970.2); c.547A>G (NM_000234.1); short protein forms T152A, T183A, T153A, T182A.
Identifiers: ClinVar variation 1435274 (VCV001435274.6), dbSNP rs769866355, ClinGen allele CA9547248.